The following is an entry in ClinVar:

ClinVar aggregate classification (germline): Conflicting classifications of pathogenicity. Review status: criteria provided, conflicting classifications (1 of 4 stars). 4 submissions from 4 submitters: Likely pathogenic (1); Uncertain significance (2). 1 of the submissions does not count toward it. Last evaluated 2023-01-21.

Conditions:
GJA3-related disorder. Also called: GJA3-related condition.
GJA3-related disorders.
Cataract 14 multiple types. Also called: CATARACT 14, NUCLEAR PULVERULENT; CATARACT 14, NUCLEAR PULVERULENT AND POSTERIOR POLAR; CATARACT 14, NUCLEAR CORALLIFORM; CATARACT 14, EMBRYONAL NUCLEAR; CATARACT 14, COPPOCK-LIKE; CATARACT 14, ZONULAR PULVERULENT. Identifiers: Orphanet 91492, MedGen C1866078, MONDO:0011162, OMIM 601885.

Submissions (4):

Dept. Genetics and Cancer, Menzies Institute for Medical Research, University of Tasmania
Classification: Uncertain significance for Cataract 14 multiple types. Last evaluated: 2023-01-21. Review status: criteria provided, single submitter. Criteria: ACMG Guidelines, 2015. Collection method: curation. Allele origin: germline. Affected: yes.
Comment: Variant identified and curated during a GJA3 specific review of the literature in relation to pediatric or congenital cataract. ACMG-AMP criteria applied: PM2(Supporting), PP3. Original variant report: PMID:33923544. The cataract phenotype reported for this variant is: Lamellar. Gene review and curation guidelines are outlined in: DOI 10.1080/17469899.2023.2160320

Blueprint Genetics
Classification: Likely pathogenic for GJA3-related disorders. Last evaluated: 2021-04-19. Review status: criteria provided, single submitter. Criteria: ACMG Guidelines, 2015. Collection method: clinical testing. Allele origin: germline. Affected: yes. Observed: 1 variant allele.

Labcorp Genetics (formerly Invitae), Labcorp
Classification: Uncertain significance for Cataract 14 multiple types. Last evaluated: 2021-02-22. Review status: criteria provided, single submitter. Criteria: Invitae Variant Classification Sherloc (09022015). Collection method: clinical testing. Allele origin: germline.
Comment: In summary, the available evidence is currently insufficient to determine the role of this variant in disease. Therefore, it has been classified as a Variant of Uncertain Significance. Algorithms developed to predict the effect of missense changes on protein structure and function (SIFT, PolyPhen-2, Align-GVGD) all suggest that this variant is likely to be disruptive, but these predictions have not been confirmed by published functional studies and their clinical significance is uncertain. This variant has not been reported in the literature in individuals with GJA3-related conditions. This variant is not present in population databases (ExAC no frequency). This sequence change replaces glutamic acid with lysine at codon 199 of the GJA3 protein (p.Glu199Lys). The glutamic acid residue is highly conserved and there is a small physicochemical difference between glutamic acid and lysine.

PreventionGenetics, part of Exact Sciences
Classification: Uncertain significance for GJA3-related condition. Last evaluated: 2024-06-08. Review status: no assertion criteria provided. Collection method: clinical testing. Allele origin: germline. Not counted in ClinVar's aggregate classification.
Comment: The GJA3 c.595G>A variant is predicted to result in the amino acid substitution p.Glu199Lys. This variant was reported in a proband from a family with congenital cataracts (Family 10 in Fernández-Alcalde et al. 2021. PubMed ID: 33923544). This variant has not been reported in a large population database, indicating this variant is rare. Of note, another variant impacting the same amino acid (p.Glu199Ala) has also been reported in patient with congenital cataracts (Patient 6 in Gillespie et al. 2014. PubMed ID: 25148791). Although we suspect that this variant may be pathogenic, at this time, the clinical significance of this variant is uncertain due to the absence of conclusive functional and genetic evidence.

Literature cited by the submitters: PubMed 33923544 (cited by Dept. Genetics and Cancer, Menzies Institute for Medical Research, University of Tasmania).

NM_021954.4(GJA3):c.595G>A (p.Glu199Lys)

Gene: GJA3 (gap junction protein alpha 3; minus strand). Cytogenetic location: 13q12.11.
Variant type: single nucleotide variant.
Coding change: c.595G>A on transcript NM_021954.4 (MANE Select); coding-DNA position 595, G replaced by A.
Protein change: p.Glu199Lys; replaces glutamic acid 199 with lysine.
Molecular consequence: missense variant.
Genome position (GRCh38, 1-based): chr13:20,142,694, C>T on the plus strand (G>A on the coding strand, the complement: GJA3 is on the minus strand). VCF-style: chr13-20142694-C-T. GRCh37 (hg19) VCF-style: chr13-20716833-C-T.
Other names: c.595G>A (NM_021954.3); short protein forms E199K.
Identifiers: ClinVar variation 1375087 (VCV001375087.11), dbSNP rs2141137977, ClinGen allele CA387464491.